The following is an entry in ClinVar:

ClinVar aggregate classification (germline): Benign (0 of 4 stars; one submission).

Conditions:
FGFR4-related disorder. Also called: FGFR4-related condition.

Allele frequency attached by ClinVar (database versions not stated): ESP Exome Variant Server 0.68891; TOPMed 0.70749; gnomAD 0.71526; gnomAD exomes 0.74327; ExAC 0.76428; 1000 Genomes Project 30x 0.77795; 1000 Genomes Project 0.78534.
gnomAD v4.1: 1,194,389 of 1,612,768 alleles (74%); highest among the groups gnomAD compares: East Asian, 98%; 446,184 homozygotes.

Submission:

PreventionGenetics, part of Exact Sciences
Classification: Benign for FGFR4-related condition. Last evaluated: 2019-10-17. Review status: no assertion criteria provided. Collection method: clinical testing. Allele origin: germline.
Comment: This variant is classified as benign based on ACMG/AMP sequence variant interpretation guidelines (Richards et al. 2015 PMID: 25741868, with internal and published modifications).

NM_213647.3(FGFR4):c.2016-8A>G

Gene: FGFR4 (fibroblast growth factor receptor 4; plus strand). Cytogenetic location: 5q35.2.
Variant type: single nucleotide variant.
Coding change: c.2016-8A>G on transcript NM_213647.3 (MANE Select); 8 bases into the intron before coding-DNA position 2016, A replaced by G.
Molecular consequence: intron variant.
Genome position (GRCh38, 1-based): chr5:177,096,596, A>G. VCF-style: chr5-177096596-A-G. GRCh37 (hg19) VCF-style: chr5-176523597-A-G.
Other names: c.2016-8A>G (NM_002011.5, NM_001354984.2); c.1812-8A>G (NM_001291980.2); c.1896-8A>G (NM_022963.3).
Identifiers: ClinVar variation 3060830 (VCV003060830.2), dbSNP rs31776, ClinGen allele CA3576668.